The following is an entry in ClinVar:

NM_004618.5(TOP3A):c.1195C>T (p.Arg399Trp)

Gene: TOP3A (DNA topoisomerase III alpha; minus strand). Cytogenetic location: 17p11.2.
Variant type: single nucleotide variant.
Coding change: c.1195C>T on transcript NM_004618.5 (MANE Select); coding-DNA position 1195, C replaced by T.
Protein change: p.Arg399Trp; replaces arginine 399 with tryptophan.
Molecular consequence: missense variant.
Genome position (GRCh38, 1-based): chr17:18,292,731, G>A on the plus strand (C>T on the coding strand, the complement: TOP3A is on the minus strand). VCF-style: chr17-18292731-G-A. GRCh37 (hg19) VCF-style: chr17-18196045-G-A.
Other names: c.910C>T, p.Arg304Trp (NM_001320759.2); c.1195C>T (NM_004618.3); short protein forms R304W, R399W.
Identifiers: ClinVar variation 2057985 (VCV002057985.2), dbSNP rs61756259, ClinGen allele CA8429985.

ClinVar aggregate classification (germline): Uncertain significance. Review status: criteria provided, multiple submitters, no conflicts (2 of 4 stars). 2 submissions from 2 submitters: Uncertain significance (2). Last evaluated 2024-09-09.

Conditions:
Inborn genetic diseases. Identifiers: MedGen C0950123, MeSH D030342.

Allele frequency attached by ClinVar (database versions not stated): ExAC 0.00005; gnomAD exomes 0.00005; TOPMed 0.00013; gnomAD 0.00015.

Submissions (2):

Ambry Genetics
Classification: Uncertain significance for Inborn genetic diseases. Last evaluated: 2024-09-09. Review status: criteria provided, single submitter. Criteria: Ambry Variant Classification Scheme 2023. Collection method: clinical testing. Allele origin: germline.

Labcorp Genetics (formerly Invitae), Labcorp
Classification: Uncertain significance. Last evaluated: 2022-02-28. Review status: criteria provided, single submitter. Criteria: Invitae Variant Classification Sherloc (09022015). Collection method: clinical testing. Allele origin: germline.
Comment: This sequence change replaces arginine, which is basic and polar, with tryptophan, which is neutral and slightly polar, at codon 399 of the TOP3A protein (p.Arg399Trp). This variant is present in population databases (rs61756259, gnomAD 0.05%). This variant has not been reported in the literature in individuals affected with TOP3A-related conditions. Algorithms developed to predict the effect of missense changes on protein structure and function are either unavailable or do not agree on the potential impact of this missense change (SIFT: "Not Available"; PolyPhen-2: "Possibly Damaging"; Align-GVGD: "Not Available"). In summary, the available evidence is currently insufficient to determine the role of this variant in disease. Therefore, it has been classified as a Variant of Uncertain Significance.